The following is an entry in ClinVar:

ClinVar aggregate classification (germline): Uncertain significance (1 of 4 stars; one submission).

gnomAD v4.1: 3 of 1,574,554 alleles (0.00019%); highest among the groups gnomAD compares: African/African-American, 0.0014%; no homozygotes.

Submission:

GeneDx
Classification: Uncertain significance. Last evaluated: 2024-03-09. Review status: criteria provided, single submitter. Criteria: GeneDx Variant Classification Process June 2021. Collection method: clinical testing. Allele origin: germline. Affected: yes.
Comment: Not observed at significant frequency in large population cohorts (gnomAD); In silico analysis supports that this missense variant has a deleterious effect on protein structure/function; Has not been previously published as pathogenic or benign to our knowledge

NM_002739.5(PRKCG):c.1880T>G (p.Ile627Ser)

Gene: PRKCG (protein kinase C gamma; plus strand). Cytogenetic location: 19q13.42.
Variant type: single nucleotide variant.
Coding change: c.1880T>G on transcript NM_002739.5 (MANE Select); coding-DNA position 1880, T replaced by G.
Protein change: p.Ile627Ser; replaces isoleucine 627 with serine.
Molecular consequence: missense variant.
Genome position (GRCh38, 1-based): chr19:53,906,432, T>G. VCF-style: chr19-53906432-T-G. GRCh37 (hg19) VCF-style: chr19-54409686-T-G.
Other names: c.1880T>G, p.Ile627Ser (NM_001316329.2); short protein forms I627S.
Identifiers: ClinVar variation 3342535 (VCV003342535.1).